The following is an entry in ClinVar:

NM_001792.5(CDH2):c.1178A>G (p.Glu393Gly)

Gene: CDH2 (cadherin 2; minus strand). Cytogenetic location: 18q12.1.
Variant type: single nucleotide variant.
Coding change: c.1178A>G on transcript NM_001792.5 (MANE Select); coding-DNA position 1178, A replaced by G.
Protein change: p.Glu393Gly; replaces glutamic acid 393 with glycine.
Molecular consequence: missense variant.
Genome position (GRCh38, 1-based): chr18:27,992,821, T>C on the plus strand (A>G on the coding strand, the complement: CDH2 is on the minus strand). VCF-style: chr18-27992821-T-C. GRCh37 (hg19) VCF-style: chr18-25572785-T-C.
Other names: c.1085A>G, p.Glu362Gly (NM_001308176.2); short protein forms E362G, E393G.
Identifiers: ClinVar variation 4733973 (VCV004733973.1).

ClinVar aggregate classification (germline): Uncertain significance (1 of 4 stars; one submission).

Submission:

Labcorp Genetics (formerly Invitae), Labcorp
Classification: Uncertain significance. Last evaluated: 2025-12-23. Review status: criteria provided, single submitter. Criteria: Invitae Variant Classification Sherloc (09022015). Collection method: clinical testing. Allele origin: germline.
Comment: This sequence change replaces glutamic acid, which is acidic and polar, with glycine, which is neutral and non-polar, at codon 393 of the CDH2 protein (p.Glu393Gly). This variant is not present in population databases (gnomAD no frequency). This variant has not been reported in the literature in individuals affected with CDH2-related conditions. An algorithm developed to predict the effect of missense changes on protein structure and function (PolyPhen-2) suggests that this variant is likely to be disruptive. In summary, the available evidence is currently insufficient to determine the role of this variant in disease. Therefore, it has been classified as a Variant of Uncertain Significance.